The following is an entry in ClinVar:

ClinVar aggregate classification (germline): Uncertain significance (1 of 4 stars; one submission).

Conditions:
Cardiovascular phenotype. Identifiers: MedGen CN230736.

Allele frequency attached by ClinVar (database versions not stated): TOPMed 0.00001.
gnomAD v4.1: 3 of 1,614,122 alleles (0.00019%); highest among the groups gnomAD compares: Non-Finnish European, 0.00017%; no homozygotes.

Submission:

Ambry Genetics
Classification: Uncertain significance for Cardiovascular phenotype. Last evaluated: 2023-03-31. Review status: criteria provided, single submitter. Criteria: Ambry Variant Classification Scheme 2023. Collection method: clinical testing. Allele origin: germline.
Comment: The p.Y567S variant (also known as c.1700A>C), located in coding exon 11 of the ABCG8 gene, results from an A to C substitution at nucleotide position 1700. The tyrosine at codon 567 is replaced by serine, an amino acid with dissimilar properties. This amino acid position is conserved. In addition, this alteration is predicted to be tolerated by in silico analysis. Since supporting evidence is limited at this time, the clinical significance of this alteration remains unclear.

NM_022437.3(ABCG8):c.1700A>C (p.Tyr567Ser)

Gene: ABCG8 (ATP binding cassette subfamily G member 8; plus strand). Cytogenetic location: 2p21.
Variant type: single nucleotide variant.
Coding change: c.1700A>C on transcript NM_022437.3 (MANE Select); coding-DNA position 1700, A replaced by C.
Protein change: p.Tyr567Ser; replaces tyrosine 567 with serine.
Molecular consequence: missense variant.
Genome position (GRCh38, 1-based): chr2:43,875,357, A>C. VCF-style: chr2-43875357-A-C. GRCh37 (hg19) VCF-style: chr2-44102496-A-C.
Other names: c.1697A>C, p.Tyr566Ser (NM_001357321.2); short protein forms Y566S, Y567S.
Identifiers: ClinVar variation 2565407 (VCV002565407.2), dbSNP rs746541178, ClinGen allele CA46471394.